The following is an entry in ClinVar:

ClinVar aggregate classification (germline): Uncertain significance (1 of 4 stars; one submission).

Allele frequency attached by ClinVar (database versions not stated): gnomAD exomes 0.00001.
gnomAD v4.1: 10 of 1,614,126 alleles (0.00062%); highest among the groups gnomAD compares: South Asian, 0.0011%; no homozygotes.

Submission:

Women's Health and Genetics/Laboratory Corporation of America, LabCorp
Classification: Uncertain significance. Last evaluated: 2023-01-19. Review status: criteria provided, single submitter. Criteria: LabCorp Variant Classification Summary - May 2015. Collection method: clinical testing. Allele origin: germline.
Comment: Variant summary: BPTF c.5251G>A (p.Val1751Ile) results in a conservative amino acid change in the encoded protein sequence. Four of five in-silico tools predict a benign effect of the variant on protein function. The variant was absent in 250298 control chromosomes (gnomAD). The available data on variant occurrences in the general population are insufficient to allow any conclusion about variant significance. To our knowledge, no occurrence of c.5251G>A in individuals affected with Neurodevelopmental Disorder With Dysmorphic Facies And Distal Limb Anomalies and no experimental evidence demonstrating its impact on protein function have been reported. No clinical diagnostic laboratories have submitted clinical-significance assessments for this variant to ClinVar after 2014. Based on the evidence outlined above, the variant was classified as uncertain significance.

NM_182641.4(BPTF):c.4873G>A (p.Val1625Ile)

Gene: BPTF (bromodomain PHD finger transcription factor; plus strand). Cytogenetic location: 17q24.2.
Variant type: single nucleotide variant.
Coding change: c.4873G>A on transcript NM_182641.4 (MANE Select); coding-DNA position 4873, G replaced by A.
Protein change: p.Val1625Ile; replaces valine 1625 with isoleucine.
Molecular consequence: missense variant.
Genome position (GRCh38, 1-based): chr17:67,912,757, G>A. VCF-style: chr17-67912757-G-A. GRCh37 (hg19) VCF-style: chr17-65908873-G-A.
Other names: c.5251G>A, p.Val1751Ile (NM_004459.7); short protein forms V1625I, V1751I.
Identifiers: ClinVar variation 2429205 (VCV002429205.3), dbSNP rs2511502973, ClinGen allele CA400731231.